The following is an entry in ClinVar:

NM_001330574.2(ZNF711):c.1379A>T (p.Tyr460Phe)

Gene: ZNF711 (ZFX family zinc finger ZNF711; plus strand). Cytogenetic location: Xq21.1.
Variant type: single nucleotide variant.
Coding change: c.1379A>T on transcript NM_001330574.2 (MANE Select); coding-DNA position 1379, A replaced by T.
Protein change: p.Tyr460Phe; replaces tyrosine 460 with phenylalanine.
Molecular consequence: missense variant.
Genome position (GRCh38, 1-based): chrX:85,270,783, A>T. VCF-style: chrX-85270783-A-T. GRCh37 (hg19) VCF-style: chrX-84525789-A-T.
Other names: c.1379A>T, p.Tyr460Phe (NM_001375431.1, NM_001375432.1, NM_001375433.1); c.1241A>T, p.Tyr414Phe (NM_001375434.1, NM_001375435.1, NM_001375436.1 and 2 more transcripts); short protein forms Y414F, Y460F.
Identifiers: ClinVar variation 1308077 (VCV001308077.4), dbSNP rs2147874862, ClinGen allele CA413772711.
Genomic context (GRCh38, chrX:85,270,783, plus strand): 5'-CCAGGGGATTCTTAAAAAGACACATGAAGAATCATCCTGATCATTTAATGAGAAAAAAAT[A>T]TCAGTGTACAGATTGTGACTTTACAACTAACAAGAAAGTGAGTTTCCATAACCACTTAGA-3'
Protein context (NP_001317503.1, residues 450-470): NHPDHLMRKK[Tyr460Phe]QCTDCDFTTN

ClinVar aggregate classification (germline): Uncertain significance (1 of 4 stars; one submission).

Conditions:
Intellectual developmental disorder, X-linked 97. Also called: Intellectual disability, X-linked 97. Identifiers: Orphanet 777, MedGen C2749020, MONDO:0010430, OMIM 300803.

Submission:

GeneDx
Classification: Uncertain significance. Last evaluated: 2019-08-27. Review status: criteria provided, single submitter. Criteria: GeneDx Variant Classification Process June 2021. Collection method: clinical testing. Allele origin: germline. Affected: yes.
Comment: Not observed in large population cohorts (Lek et al., 2016); In silico analysis, which includes protein predictors and evolutionary conservation, supports a deleterious effect; Has not been previously published as pathogenic or benign to our knowledge